The following is an entry in ClinVar:

NC_000006.11:g.(?_43008382)_(43008663_?)del

Gene: CUL7 (cullin 7; minus strand). Cytogenetic location: 6p21.1.
Variant type: Deletion.
Identifiers: ClinVar variation 3246220 (VCV003246220.1).

ClinVar aggregate classification (germline): Uncertain significance (1 of 4 stars; one submission).

Submission:

Labcorp Genetics (formerly Invitae), Labcorp
Classification: Uncertain significance. Last evaluated: 2024-01-29. Review status: criteria provided, single submitter. Criteria: Invitae Variant Classification Sherloc (09022015). Collection method: clinical testing. Allele origin: unknown.
Comment: This variant results in the deletion of c.3796_3909del of the CUL7 gene. This variant would be expected to be in-frame, preserving the integrity of the reading frame. This variant has not been reported in the literature in individuals affected with CUL7-related conditions. In summary, the available evidence is currently insufficient to determine the role of this variant in disease. Therefore, it has been classified as a Variant of Uncertain Significance.